The following is an entry in ClinVar:

NM_000334.4(SCN4A):c.283G>A (p.Val95Ile)

Gene: SCN4A (sodium voltage-gated channel alpha subunit 4; minus strand). Cytogenetic location: 17q23.3.
Variant type: single nucleotide variant.
Coding change: c.283G>A on transcript NM_000334.4 (MANE Select); coding-DNA position 283, G replaced by A.
Protein change: p.Val95Ile; replaces valine 95 with isoleucine.
Molecular consequence: missense variant.
Genome position (GRCh38, 1-based): chr17:63,972,461, C>T on the plus strand (G>A on the coding strand, the complement: SCN4A is on the minus strand). VCF-style: chr17-63972461-C-T. GRCh37 (hg19) VCF-style: chr17-62049821-C-T.
Other names: short protein forms V95I.
Identifiers: ClinVar variation 3582719 (VCV003582719.3).

ClinVar aggregate classification (germline): Uncertain significance. Review status: criteria provided, multiple submitters, no conflicts (2 of 4 stars). 3 submissions from 3 submitters: Uncertain significance (3). Last evaluated 2025-10-18.

Conditions:
Congenital myopathy 22A, classic (CMYO22A). Identifiers: MedGen C5830453, MONDO:0957247, OMIM 620351.
Hypokalemic periodic paralysis, type 2 (HOKPP2). Identifiers: Orphanet 681, MedGen C2750061, MONDO:0013234, OMIM 613345.
Hyperkalemic periodic paralysis. Also called: Gamstorp disease; Familial hyperkalemic periodic paralysis. Identifiers: Orphanet 682, MedGen C0238357, MONDO:0008224, OMIM 170500, HP:0007215.
Congenital myopathy 22B, severe fetal (CMYO22B). Identifiers: MedGen C5830501, MONDO:0957265, OMIM 620369.
Congenital myasthenic syndrome 16. Identifiers: Orphanet 590, MedGen C3280112, MONDO:0013620, OMIM 614198.
Potassium-aggravated myotonia. Also called: MYOTONIA CONGENITA, ACETAZOLAMIDE-RESPONSIVE; MYOTONIA CONGENITA, ATYPICAL; SODIUM CHANNEL MUSCLE DISEASE; Myotonia congenita, atypical, acetazolamide-responsive. Identifiers: Orphanet 612, Orphanet 99734, Orphanet 99735, Orphanet 99736, MedGen C2931826, MONDO:0018959, OMIM 608390.
Paramyotonia congenita of Von Eulenburg. Also called: PARALYSIS PERIODICA PARAMYOTONICA; Eulenburg disease; Myotonia congenita intermittens; Von Eulenburg paramyotonia congenita; Paramyotonia Congenita. Identifiers: Orphanet 684, MedGen C0221055, MONDO:0008195, OMIM 168300. Disease mechanism: loss of function.

Submissions (3):

Labcorp Genetics (formerly Invitae), Labcorp
Classification: Uncertain significance for Hyperkalemic periodic paralysis. Last evaluated: 2025-10-18. Review status: criteria provided, single submitter. Criteria: Invitae Variant Classification Sherloc (09022015). Collection method: clinical testing. Allele origin: germline.
Comment: This sequence change replaces valine, which is neutral and non-polar, with isoleucine, which is neutral and non-polar, at codon 95 of the SCN4A protein (p.Val95Ile). This variant is present in population databases (rs543813038, gnomAD 0.003%). This variant has not been reported in the literature in individuals affected with SCN4A-related conditions. ClinVar contains an entry for this variant (Variation ID: 3582719). Invitae Evidence Modeling of protein sequence and biophysical properties (such as structural, functional, and spatial information, amino acid conservation, physicochemical variation, residue mobility, and thermodynamic stability) indicates that this missense variant is not expected to disrupt SCN4A protein function with a negative predictive value of 95%. In summary, the available evidence is currently insufficient to determine the role of this variant in disease. Therefore, it has been classified as a Variant of Uncertain Significance.

Fulgent Genetics
Classification: Uncertain significance for Paramyotonia congenita of Von Eulenburg; Hyperkalemic periodic paralysis; Potassium-aggravated myotonia; Hypokalemic periodic paralysis, type 2; Congenital myasthenic syndrome 16; Congenital myopathy 22A, classic; Congenital myopathy 22B, severe fetal. Last evaluated: 2024-03-26. Review status: criteria provided, single submitter. Criteria: ACMG Guidelines, 2015. Collection method: clinical testing. Allele origin: germline.

Blueprint Genetics
Classification: Uncertain significance. Last evaluated: 2021-02-18. Review status: criteria provided, single submitter. Criteria: ACMG Guidelines, 2015. Collection method: clinical testing. Allele origin: germline.